The following is an entry in ClinVar:

ClinVar aggregate classification (germline): Pathogenic (1 of 4 stars; one submission).

Conditions:
Severe combined immunodeficiency due to CORO1A deficiency. Also called: IMMUNODEFICIENCY 8 WITH LYMPHOPROLIFERATION; Immunodeficiency 8. Identifiers: Orphanet 228003, MedGen C3809383, MONDO:0014168, OMIM 615401.

gnomAD v4.1: 4 of 1,614,010 alleles (0.00025%); highest among the groups gnomAD compares: Non-Finnish European, 0.00034%; no homozygotes.

Submission:

3billion
Classification: Pathogenic for Severe combined immunodeficiency due to CORO1A deficiency. Last evaluated: 2025-02-26. Review status: criteria provided, single submitter. Criteria: ACMG Guidelines, 2015. Collection method: clinical testing. Allele origin: germline. Affected: yes.
Comment: The variant is observed at an extremely low frequency in the gnomAD v4.1.0 dataset (total allele frequency: <0.001%). Predicted Consequence/Location: Stop-gained (nonsense): predicted to result in a loss or disruption of normal protein function through nonsense-mediated decay (NMD) or protein truncation. Multiple pathogenic variants are reported downstream of the variant. Therefore, this variant is classified as Pathogenic according to the recommendation of ACMG/AMP guideline.

NM_007074.4(CORO1A):c.1060C>T (p.Arg354Ter)

Gene: CORO1A (coronin 1A; plus strand). Cytogenetic location: 16p11.2.
Variant type: single nucleotide variant.
Coding change: c.1060C>T on transcript NM_007074.4 (MANE Select); coding-DNA position 1060, C replaced by T.
Protein change: p.Arg354Ter; replaces arginine 354 with a stop codon.
Molecular consequence: nonsense.
Genome position (GRCh38, 1-based): chr16:30,188,244, C>T. VCF-style: chr16-30188244-C-T. GRCh37 (hg19) VCF-style: chr16-30199565-C-T.
Other names: c.1060C>T, p.Arg354Ter (NM_001193333.3); short protein forms R354*.
Identifiers: ClinVar variation 4291916 (VCV004291916.1).
Genomic context (GRCh38, chr16:30,188,244, plus strand): 5'-TCCCACAGGTTCTACAAGCTGCACGAGCGGAGGTGTGAGCCCATTGCCATGACAGTGCCT[C>T]GAAAGGTGATGCTCCCCCGCCCCACCCTGGGCTCCAGGCTGGGCACTGACTTTGCGGTCT-3'